The following is an entry in ClinVar:

NM_002661.5(PLCG2):c.359T>C (p.Val120Ala)

Gene: PLCG2 (phospholipase C gamma 2; plus strand). Cytogenetic location: 16q23.3.
Variant type: single nucleotide variant.
Coding change: c.359T>C on transcript NM_002661.5 (MANE Select); coding-DNA position 359, T replaced by C.
Protein change: p.Val120Ala; replaces valine 120 with alanine.
Molecular consequence: missense variant.
Genome position (GRCh38, 1-based): chr16:81,858,284, T>C. VCF-style: chr16-81858284-T-C. GRCh37 (hg19) VCF-style: chr16-81891889-T-C.
Other names: c.359T>C, p.Val120Ala (NM_001425749.1, NM_001425750.1, NM_001425751.1); short protein forms V120A.
Identifiers: ClinVar variation 4773133 (VCV004773133.1).

ClinVar aggregate classification (germline): Uncertain significance (1 of 4 stars; one submission).

Conditions:
Familial cold autoinflammatory syndrome 3 (FCAS3). Also called: ANTIBODY DEFICIENCY AND IMMUNE DYSREGULATION, PLCG2-ASSOCIATED; FAMILIAL ATYPICAL COLD URTICARIA. Identifiers: Orphanet 300359, MedGen C3280914, MONDO:0013766, OMIM 614468.

Submission:

Labcorp Genetics (formerly Invitae), Labcorp
Classification: Uncertain significance for Familial cold autoinflammatory syndrome 3. Last evaluated: 2025-10-21. Review status: criteria provided, single submitter. Criteria: Invitae Variant Classification Sherloc (09022015). Collection method: clinical testing. Allele origin: germline.
Comment: This sequence change replaces valine, which is neutral and non-polar, with alanine, which is neutral and non-polar, at codon 120 of the PLCG2 protein (p.Val120Ala). This variant is not present in population databases (gnomAD no frequency). This variant has not been reported in the literature in individuals affected with PLCG2-related conditions. An algorithm developed to predict the effect of missense changes on protein structure and function outputs the following: PolyPhen-2: "Benign". The alanine amino acid residue is found in multiple mammalian species, which suggests that this missense change does not adversely affect protein function. In summary, the available evidence is currently insufficient to determine the role of this variant in disease. Therefore, it has been classified as a Variant of Uncertain Significance.